The following is an entry in ClinVar:

NM_000306.4(POU1F1):c.143-1G>A

Gene: POU1F1 (POU class 1 homeobox 1; minus strand). Cytogenetic location: 3p11.2.
Variant type: single nucleotide variant.
Coding change: c.143-1G>A on transcript NM_000306.4 (MANE Select); the canonical splice acceptor site of the intron before coding-DNA position 143, G replaced by A.
Molecular consequence: splice acceptor variant. On other transcripts: missense variant (1).
Genome position (GRCh38, 1-based): chr3:87,273,419, C>T on the plus strand (G>A on the coding strand, the complement: POU1F1 is on the minus strand). VCF-style: chr3-87273419-C-T. GRCh37 (hg19) VCF-style: chr3-87322569-C-T.
Other names: c.220G>A, p.Ala74Thr (NM_001122757.3); short protein forms A74T.
Identifiers: ClinVar variation 2762431 (VCV002762431.3), dbSNP rs2471802644, ClinGen allele CA353695489.

ClinVar aggregate classification (germline): Likely pathogenic (1 of 4 stars; one submission).

Submission:

Labcorp Genetics (formerly Invitae), Labcorp
Classification: Likely pathogenic. Last evaluated: 2023-09-21. Review status: criteria provided, single submitter. Criteria: Invitae Variant Classification Sherloc (09022015). Collection method: clinical testing. Allele origin: germline.
Comment: In summary, the currently available evidence indicates that the variant is pathogenic, but additional data are needed to prove that conclusively. Therefore, this variant has been classified as Likely Pathogenic. Algorithms developed to predict the effect of sequence changes on RNA splicing suggest that this variant may disrupt the consensus splice site. This variant has not been reported in the literature in individuals affected with POU1F1-related conditions. This variant is not present in population databases (gnomAD no frequency). This sequence change affects an acceptor splice site in intron 1 of the POU1F1 gene. It is expected to disrupt RNA splicing. Variants that disrupt the donor or acceptor splice site typically lead to a loss of protein function (PMID: 16199547), and loss-of-function variants in POU1F1 are known to be pathogenic (PMID: 1472057, 9392392, 15844473, 15928241).

Literature cited by the submitters: PubMed 16199547; PubMed 1472057; PubMed 9392392; PubMed 15844473; PubMed 15928241.